The following is an entry in ClinVar:

NM_012479.4(YWHAG):c.529C>T (p.Leu177Phe)

Gene: YWHAG (tyrosine 3-monooxygenase/tryptophan 5-monooxygenase activation protein gamma; minus strand). Cytogenetic location: 7q11.23.
Variant type: single nucleotide variant.
Coding change: c.529C>T on transcript NM_012479.4 (MANE Select); coding-DNA position 529, C replaced by T.
Protein change: p.Leu177Phe; replaces leucine 177 with phenylalanine.
Molecular consequence: missense variant.
Genome position (GRCh38, 1-based): chr7:76,329,792, G>A on the plus strand (C>T on the coding strand, the complement: YWHAG is on the minus strand). VCF-style: chr7-76329792-G-A. GRCh37 (hg19) VCF-style: chr7-75959109-G-A.
Other names: short protein forms L177F.
Identifiers: ClinVar variation 2816056 (VCV002816056.3), dbSNP rs2536180818, ClinGen allele CA367776775.
Genomic context (GRCh38, chr7:76,329,792, plus strand): 5'-CCAAGTGGCACGCTTGCTCTGGGGCGTTCTGGATCTCATAGTAGAAGACGGAGTAGTTAA[G>A]AGCCAGGCCTAATCGGATGGGGTGGGTGGGCTGCATGTGCTCTTTGCTGATCTCGTGGGC-3'
Protein context (NP_036611.2, residues 167-187): PTHPIRLGLA[Leu177Phe]NYSVFYYEIQ

ClinVar aggregate classification (germline): Pathogenic (1 of 4 stars; one submission).

Submission:

Labcorp Genetics (formerly Invitae), Labcorp
Classification: Pathogenic. Last evaluated: 2023-01-09. Review status: criteria provided, single submitter. Criteria: Invitae Variant Classification Sherloc (09022015). Collection method: clinical testing. Allele origin: germline.
Comment: For these reasons, this variant has been classified as Pathogenic. Advanced modeling of protein sequence and biophysical properties (such as structural, functional, and spatial information, amino acid conservation, physicochemical variation, residue mobility, and thermodynamic stability) performed at Invitae indicates that this missense variant is expected to disrupt YWHAG protein function. This missense change has been observed in individual(s) with clinical features of YWHAG-related conditions (Invitae). In at least one individual the variant was observed to be de novo. This variant is not present in population databases (gnomAD no frequency). This sequence change replaces leucine, which is neutral and non-polar, with phenylalanine, which is neutral and non-polar, at codon 177 of the YWHAG protein (p.Leu177Phe).